The following is an entry in ClinVar:

NM_000419.5(ITGA2B):c.189-1G>C

Gene: ITGA2B (integrin subunit alpha 2b; minus strand). Cytogenetic location: 17q21.31.
Variant type: single nucleotide variant.
Coding change: c.189-1G>C on transcript NM_000419.5 (MANE Select); the canonical splice acceptor site of the intron before coding-DNA position 189, G replaced by C.
Molecular consequence: splice acceptor variant.
Genome position (GRCh38, 1-based): chr17:44,386,132, C>G on the plus strand (G>C on the coding strand, the complement: ITGA2B is on the minus strand). VCF-style: chr17-44386132-C-G. GRCh37 (hg19) VCF-style: chr17-42463500-C-G.
Identifiers: ClinVar variation 3075872 (VCV003075872.1), dbSNP rs1369462778, ClinGen allele CA399806548.

ClinVar aggregate classification (germline): Likely pathogenic (1 of 4 stars; one submission).

Conditions:
Glanzmann thrombasthenia. Also called: PLATELET GLYCOPROTEIN IIb-IIIa DEFICIENCY; Thrombasthenia; Glanzmann's thrombasthenia; BLEEDING DISORDER, PLATELET-TYPE, 2; THROMBASTHENIA OF GLANZMANN AND NAEGELI. Identifiers: Orphanet 849, MedGen C0040015, MONDO:0100326.

Submission:

Laboratory for Molecular Medicine, Mass General Brigham Personalized Medicine
Classification: Likely pathogenic for Glanzmann thrombasthenia. Last evaluated: 2022-06-30. Review status: criteria provided, single submitter. Criteria: ACMG Guidelines, 2015. Collection method: clinical testing. Allele origin: germline.
Comment: The c.189-1G>C variant in ITGA2B has not been previously reported in individuals with Glanzmann thrombasthenia and was absent from large population studies. This variant occurs within the canonical splice site (+/- 1,2) and is predicted to cause altered splicing leading to an abnormal or absent protein. Loss of function of the ITGA2B gene is an established disease mechanism in autosomal recessive Glanzmann thrombasthenia. In summary, although additional studies are required to fully establish its clinical significance, this variant meets criteria to be classified as likely pathogenic for autosomal recessive Glanzmann thrombasthenia. . ACMG/AMP criteria applied: PVS1, PM2_Supporting.